The following is an entry in ClinVar:

NM_014285.7(EXOSC2):c.122+4C>T

Genes: EXOSC2 (exosome component 2; plus strand), LOC130002815 (ATAC-STARR-seq lymphoblastoid active region 29156; plus strand). Cytogenetic location: 9q34.12.
Variant type: single nucleotide variant.
Coding change: c.122+4C>T on transcript NM_014285.7 (MANE Select); 4 bases into the intron after coding-DNA position 122, C replaced by T.
Molecular consequence: intron variant.
Genome position (GRCh38, 1-based): chr9:130,693,917, C>T. VCF-style: chr9-130693917-C-T. GRCh37 (hg19) VCF-style: chr9-133569304-C-T.
Other names: c.122+4C>T (NM_001282708.1, NM_001282709.1).
Identifiers: ClinVar variation 959140 (VCV000959140.6), dbSNP rs778808279, ClinGen allele CA5284742.
Genomic context (GRCh38, chr9:130,693,917, plus strand): 5'-TAAGAAACATCTAGTGGTGCCGGGGGATACAATCACTACGGACACAGGATTCATGCGGTA[C>T]GTGGGGACTTGGGGGAGTCGAGGCTTCAGAGAGCGGCTTCAGGGCTCTCTGCACGTGGTC-3'

ClinVar aggregate classification (germline): Conflicting classifications of pathogenicity. Review status: criteria provided, conflicting classifications (1 of 4 stars). 2 submissions from 2 submitters: Uncertain significance (1); Likely benign (1). Last evaluated 2023-07-03.

Allele frequency attached by ClinVar (database versions not stated): gnomAD below 0.00001 and 0.00003; TOPMed 0.00001; gnomAD exomes 0.00009 and 0.00018; ExAC 0.00015; 1000 Genomes Project 30x 0.00031.
gnomAD v4.1: 136 of 1,598,514 alleles (0.0085%); highest among the groups gnomAD compares: South Asian, 0.14%; no homozygotes.

Submissions (2):

Blueprint Genetics
Classification: Likely benign. Last evaluated: 2023-07-03. Review status: criteria provided, single submitter. Criteria: ACMG Guidelines, 2015. Collection method: clinical testing. Allele origin: germline.

Labcorp Genetics (formerly Invitae), Labcorp
Classification: Uncertain significance. Last evaluated: 2022-06-03. Review status: criteria provided, single submitter. Criteria: Invitae Variant Classification Sherloc (09022015). Collection method: clinical testing. Allele origin: germline.
Comment: This sequence change falls in intron 1 of the EXOSC2 gene. It does not directly change the encoded amino acid sequence of the EXOSC2 protein. It affects a nucleotide within the consensus splice site. This variant is present in population databases (rs778808279, gnomAD 0.1%). This variant has not been reported in the literature in individuals affected with EXOSC2-related conditions. ClinVar contains an entry for this variant (Variation ID: 959140). Variants that disrupt the consensus splice site are a relatively common cause of aberrant splicing (PMID: 17576681, 9536098). Algorithms developed to predict the effect of sequence changes on RNA splicing suggest that this variant is not likely to affect RNA splicing. In summary, the available evidence is currently insufficient to determine the role of this variant in disease. Therefore, it has been classified as a Variant of Uncertain Significance.

Literature cited by the submitters: PubMed 17576681 (cited by Labcorp Genetics (formerly Invitae), Labcorp); PubMed 9536098 (cited by Labcorp Genetics (formerly Invitae), Labcorp).